The following is an entry in ClinVar:

ClinVar aggregate classification (germline): Conflicting classifications of pathogenicity. Review status: criteria provided, conflicting classifications (1 of 4 stars). 3 submissions from 3 submitters: Uncertain significance (1); Likely benign (2). Last evaluated 2025-11-28.

Conditions:
NOTCH1-related disorder. Also called: NOTCH1-related condition; NOTCH1-related disorders.
Adams-Oliver syndrome 5 (AOS5). Identifiers: Orphanet 974, MedGen C4014970, MONDO:0014459, OMIM 616028.
Familial thoracic aortic aneurysm and aortic dissection (TAAD). Also called: Thoracic aortic aneurysms and dissections. Identifiers: Orphanet 91387, MedGen C4707243, MONDO:0019625.

Allele frequency attached by ClinVar (database versions not stated): gnomAD 0.00002; gnomAD exomes 0.00002 and 0.00003; ExAC 0.00004; TOPMed 0.00005.
gnomAD v4.1: 39 of 1,612,400 alleles (0.0024%); highest among the groups gnomAD compares: Admixed American, 0.01%; no homozygotes.

Submissions (3):

Labcorp Genetics (formerly Invitae), Labcorp
Classification: Likely benign for Adams-Oliver syndrome 5. Last evaluated: 2025-11-28. Review status: criteria provided, single submitter. Criteria: Invitae Variant Classification Sherloc (09022015). Collection method: clinical testing. Allele origin: germline.

PreventionGenetics, part of Exact Sciences
Classification: Likely benign for NOTCH1-related condition. Last evaluated: 2025-05-21. Review status: criteria provided, single submitter. Criteria: ACMG Guidelines, 2015. Collection method: clinical testing. Allele origin: germline.
Comment: This variant is classified as likely benign based on ACMG/AMP sequence variant interpretation guidelines (Richards et al. 2015 PMID: 25741868, with internal and published modifications).

CHEO Genetics Diagnostic Laboratory, Children's Hospital of Eastern Ontario
Classification: Uncertain significance for Familial thoracic aortic aneurysm and aortic dissection. Last evaluated: 2020-05-04. Review status: criteria provided, single submitter. Criteria: ACMG Guidelines, 2015. Collection method: clinical testing. Allele origin: germline.

NM_017617.5(NOTCH1):c.1441+8G>A

Gene: NOTCH1 (notch receptor 1; minus strand). Cytogenetic location: 9q34.3.
Variant type: single nucleotide variant.
Coding change: c.1441+8G>A on transcript NM_017617.5 (MANE Select); 8 bases into the intron after coding-DNA position 1441, G replaced by A.
Molecular consequence: intron variant.
Genome position (GRCh38, 1-based): chr9:136,517,744, C>T on the plus strand (G>A on the coding strand, the complement: NOTCH1 is on the minus strand). VCF-style: chr9-136517744-C-T. GRCh37 (hg19) VCF-style: chr9-139412196-C-T.
Other names: c.1441+8G>A (LRG_1122t1, NM_017617.4).
Identifiers: ClinVar variation 415429 (VCV000415429.13), dbSNP rs765031085, ClinGen allele CA5341807.